The following is an entry in ClinVar:

ClinVar aggregate classification (germline): Conflicting classifications of pathogenicity. Review status: criteria provided, conflicting classifications (1 of 4 stars). 2 submissions from 2 submitters: Uncertain significance (1); Likely benign (1). Last evaluated 2025-12-08.

Conditions:
Inborn genetic diseases. Identifiers: MedGen C0950123, MeSH D030342.

gnomAD v4.1: 13 of 1,613,906 alleles (0.00081%); highest among the groups gnomAD compares: East Asian, 0.0067%; no homozygotes.

Submissions (2):

Ambry Genetics
Classification: Likely benign for Inborn genetic diseases. Last evaluated: 2025-12-08. Review status: criteria provided, single submitter. Criteria: Ambry Variant Classification Scheme 2023. Collection method: clinical testing. Allele origin: germline.

Labcorp Genetics (formerly Invitae), Labcorp
Classification: Uncertain significance. Last evaluated: 2025-07-02. Review status: criteria provided, single submitter. Criteria: Invitae Variant Classification Sherloc (09022015). Collection method: clinical testing. Allele origin: germline.
Comment: This sequence change replaces proline, which is neutral and non-polar, with leucine, which is neutral and non-polar, at codon 2390 of the TRRAP protein (p.Pro2390Leu). This variant is present in population databases (rs776470048, gnomAD 0.01%). This variant has not been reported in the literature in individuals affected with TRRAP-related conditions. An algorithm developed to predict the effect of missense changes on protein structure and function (PolyPhen-2) suggests that this variant is likely to be tolerated. In summary, the available evidence is currently insufficient to determine the role of this variant in disease. Therefore, it has been classified as a Variant of Uncertain Significance.

NM_001375524.1(TRRAP):c.7244C>T (p.Pro2415Leu)

Gene: TRRAP (transformation/transcription domain associated protein; plus strand). Cytogenetic location: 7q22.1.
Variant type: single nucleotide variant.
Coding change: c.7244C>T on transcript NM_001375524.1 (MANE Select); coding-DNA position 7244, C replaced by T.
Protein change: p.Pro2415Leu; replaces proline 2415 with leucine.
Molecular consequence: missense variant.
Genome position (GRCh38, 1-based): chr7:98,967,108, C>T. VCF-style: chr7-98967108-C-T. GRCh37 (hg19) VCF-style: chr7-98564731-C-T.
Other names: c.7223C>T, p.Pro2408Leu (NM_001244580.2); c.7169C>T, p.Pro2390Leu (NM_003496.4); short protein forms P2390L, P2408L, P2415L.
Identifiers: ClinVar variation 4633777 (VCV004633777.2).